The following is an entry in ClinVar:

NM_001365951.3(KIF1B):c.1075G>C (p.Val359Leu)

Gene: KIF1B (kinesin family member 1B; plus strand). Cytogenetic location: 1p36.22.
Variant type: single nucleotide variant.
Coding change: c.1075G>C on transcript NM_001365951.3 (MANE Select); coding-DNA position 1075, G replaced by C.
Protein change: p.Val359Leu; replaces valine 359 with leucine.
Molecular consequence: missense variant.
Genome position (GRCh38, 1-based): chr1:10,278,023, G>C. VCF-style: chr1-10278023-G-C. GRCh37 (hg19) VCF-style: chr1-10338081-G-C.
Other names: c.1075G>C, p.Val359Leu (NM_001365952.1); c.1057G>C, p.Val353Leu (NM_001365953.1, NM_015074.3, NM_183416.4); short protein forms V353L, V359L.
Identifiers: ClinVar variation 1778983 (VCV001778983.5), dbSNP rs1437891155, ClinGen allele CA338334035.

ClinVar aggregate classification (germline): Uncertain significance. Review status: criteria provided, multiple submitters, no conflicts (2 of 4 stars). 2 submissions from 2 submitters: Uncertain significance (2). Last evaluated 2023-02-18.

Conditions:
Charcot-Marie-Tooth disease type 2. Also called: Charcot-Marie-Tooth type 2. Identifiers: Orphanet 64746, MedGen C0270914, MONDO:0018993.

Submissions (2):

Labcorp Genetics (formerly Invitae), Labcorp
Classification: Uncertain significance for Charcot-Marie-Tooth disease type 2. Last evaluated: 2023-02-18. Review status: criteria provided, single submitter. Criteria: Invitae Variant Classification Sherloc (09022015). Collection method: clinical testing. Allele origin: germline.
Comment: This variant has not been reported in the literature in individuals affected with KIF1B-related conditions. ClinVar contains an entry for this variant (Variation ID: 1778983). Advanced modeling of protein sequence and biophysical properties (such as structural, functional, and spatial information, amino acid conservation, physicochemical variation, residue mobility, and thermodynamic stability) performed at Invitae indicates that this missense variant is not expected to disrupt KIF1B protein function. This variant is not present in population databases (gnomAD no frequency). This sequence change replaces valine, which is neutral and non-polar, with leucine, which is neutral and non-polar, at codon 353 of the KIF1B protein (p.Val353Leu). In summary, the available evidence is currently insufficient to determine the role of this variant in disease. Therefore, it has been classified as a Variant of Uncertain Significance.

Ambry Genetics
Classification: Uncertain significance. Last evaluated: 2022-10-04. Review status: criteria provided, single submitter. Criteria: Ambry Variant Classification Scheme 2023. Collection method: clinical testing. Allele origin: germline.
Comment: The p.V353L variant (also known as c.1057G>C), located in coding exon 11 of the KIF1B gene, results from a G to C substitution at nucleotide position 1057. The valine at codon 353 is replaced by leucine, an amino acid with highly similar properties. This amino acid position is conserved. In addition, this alteration is predicted to be deleterious by in silico analysis. Since supporting evidence is limited at this time, the clinical significance of this alteration remains unclear.